The following is an entry in ClinVar:

NM_014795.4(ZEB2):c.1302T>A (p.Ser434Arg)

Gene: ZEB2 (zinc finger E-box binding homeobox 2; minus strand). Cytogenetic location: 2q22.3.
Variant type: single nucleotide variant.
Coding change: c.1302T>A on transcript NM_014795.4 (MANE Select); coding-DNA position 1302, T replaced by A.
Protein change: p.Ser434Arg; replaces serine 434 with arginine.
Molecular consequence: missense variant.
Genome position (GRCh38, 1-based): chr2:144,399,885, A>T on the plus strand (T>A on the coding strand, the complement: ZEB2 is on the minus strand). VCF-style: chr2-144399885-A-T. GRCh37 (hg19) VCF-style: chr2-145157452-A-T.
Other names: c.1230T>A, p.Ser410Arg (NM_001171653.2); short protein forms S410R, S434R.
Identifiers: ClinVar variation 5002914 (VCV005002914.1).
Genomic context (GRCh38, chr2:144,399,885, plus strand): 5'-ATTCATGGTGGGAAACCCAAGTAAAGGGGCTTCCATCCCTACACCTAAGTGCTGCATTGG[A>T]CTCTGAGCAGATGGATGAACTCCTAAAGGGCTGGTGGCTCCAAGCCCACCATTCATAAAG-3'
Protein context (NP_055610.1, residues 424-444): SPLGVHPSAQ[Ser434Arg]PMQHLGVGME

ClinVar aggregate classification (germline): Uncertain significance (1 of 4 stars; one submission).

Conditions:
Mowat-Wilson syndrome (MOWS). Also called: Classic Mowat-Wilson Syndrome. Identifiers: Orphanet 2152, MedGen C1856113, MONDO:0009341, OMIM 235730.

Submission:

OLLIN Analises Genomicas, OLLIN
Classification: Uncertain significance for Mowat-Wilson syndrome. Last evaluated: 2026-08-06. Review status: criteria provided, single submitter. Criteria: ACMG Guidelines 2015 PMID 25741868. Collection method: clinical testing. Allele origin: germline. Inheritance: Autosomal dominant inheritance.
Comment: This missense variant, located in exon 8 (of 10), is absent from gnomAD and ClinVar and has not been identified in the literature. In silico analysis predicts that this variant has a tolerated effect. This gene is constrained for missense variation. According to the currently available evidence, this variant has been classified as uncertain significance (PM2_P, PP2, BP4_M).